The following is an entry in ClinVar:

ClinVar aggregate classification (germline): Uncertain significance. Review status: criteria provided, multiple submitters, no conflicts (2 of 4 stars). 2 submissions from 2 submitters: Uncertain significance (2). Last evaluated 2024-02-24.

Conditions:
Hereditary spastic paraplegia 74. Also called: Spastic paraplegia 74, autosomal recessive. Identifiers: Orphanet 468661, MedGen C5568837, MONDO:0014644, OMIM 616451.
Multiple mitochondrial dysfunctions syndrome 3 (MMDS3). Identifiers: Orphanet 363424, MedGen C3809165, MONDO:0014132, OMIM 615330.
Inborn genetic diseases. Identifiers: MedGen C0950123, MeSH D030342.

Allele frequency attached by ClinVar (database versions not stated): gnomAD exomes 0.00001; TOPMed 0.00001; ExAC 0.00003; ESP Exome Variant Server 0.00008.
gnomAD v4.1: 6 of 1,577,074 alleles (0.00038%); highest among the groups gnomAD compares: Admixed American, 0.0035%; no homozygotes.

Submissions (2):

Labcorp Genetics (formerly Invitae), Labcorp
Classification: Uncertain significance for Multiple mitochondrial dysfunctions syndrome 3; Hereditary spastic paraplegia 74. Last evaluated: 2024-02-24. Review status: criteria provided, single submitter. Criteria: Invitae Variant Classification Sherloc (09022015). Collection method: clinical testing. Allele origin: germline.
Comment: This sequence change replaces arginine, which is basic and polar, with tryptophan, which is neutral and slightly polar, at codon 197 of the IBA57 protein (p.Arg197Trp). This variant is present in population databases (rs368114681, gnomAD 0.006%). This variant has not been reported in the literature in individuals affected with IBA57-related conditions. ClinVar contains an entry for this variant (Variation ID: 521722). Advanced modeling of protein sequence and biophysical properties (such as structural, functional, and spatial information, amino acid conservation, physicochemical variation, residue mobility, and thermodynamic stability) performed at Invitae indicates that this missense variant is expected to disrupt IBA57 protein function with a positive predictive value of 80%. In summary, the available evidence is currently insufficient to determine the role of this variant in disease. Therefore, it has been classified as a Variant of Uncertain Significance.

Ambry Genetics
Classification: Uncertain significance for Inborn genetic diseases. Last evaluated: 2017-08-17. Review status: criteria provided, single submitter. Criteria: Ambry exome assertion method (8-5-2015). Collection method: clinical testing. Allele origin: germline. Affected: yes. Observed: 1 variant allele.

NM_001010867.4(IBA57):c.589C>T (p.Arg197Trp)

Gene: IBA57 (iron-sulfur cluster assembly factor IBA57; plus strand). Cytogenetic location: 1q42.13.
Variant type: single nucleotide variant.
Coding change: c.589C>T on transcript NM_001010867.4 (MANE Select); coding-DNA position 589, C replaced by T.
Protein change: p.Arg197Trp; replaces arginine 197 with tryptophan.
Molecular consequence: missense variant.
Genome position (GRCh38, 1-based): chr1:228,174,939, C>T. VCF-style: chr1-228174939-C-T. GRCh37 (hg19) VCF-style: chr1-228362640-C-T.
Other names: c.10C>T, p.Arg4Trp (NM_001310327.2); short protein forms R197W, R4W.
Identifiers: ClinVar variation 521722 (VCV000521722.11), dbSNP rs368114681, ClinGen allele CA1431187.
Genomic context (GRCh38, chr1:228,174,939, plus strand): 5'-GAGAGGGCAGGGGCTGCCGCCATCCTCATCCGCGACCCGCGAACAGCACGCATGGGGTGG[C>T]GGCTCCTCACCCAGGATGAAGGCCCAGCCCTGGTGCCCGGGGGCCGGCTCGGGGACTTGT-3'
Protein context (NP_001010867.1, residues 187-207): RDPRTARMGW[Arg197Trp]LLTQDEGPAL